The following is an entry in ClinVar:

NM_002528.7(NTHL1):c.685+1G>A

Gene: NTHL1 (nth like DNA glycosylase 1; minus strand). Cytogenetic location: 16p13.3.
Variant type: single nucleotide variant.
Coding change: c.685+1G>A on transcript NM_002528.7 (MANE Select); the canonical splice donor site of the intron after coding-DNA position 685, G replaced by A.
Molecular consequence: splice donor variant.
Genome position (GRCh38, 1-based): chr16:2,043,566, C>T on the plus strand (G>A on the coding strand, the complement: NTHL1 is on the minus strand). VCF-style: chr16-2043566-C-T. GRCh37 (hg19) VCF-style: chr16-2093567-C-T.
Other names: IVS4DS, G-A, +1; c.355+1G>A (NM_001318194.2); c.514+1G>A (NM_001318193.2).
Identifiers: ClinVar variation 218092 (VCV000218092.13), dbSNP rs372946560, ClinGen allele CA210446.

ClinVar aggregate classification (germline): Pathogenic/Likely pathogenic. Review status: criteria provided, multiple submitters, no conflicts (2 of 4 stars). 6 submissions from 6 submitters: Pathogenic (3); Likely pathogenic (2). 1 of the submissions does not count toward it. Last evaluated 2025-11-30.

Conditions:
Hereditary cancer-predisposing syndrome. Also called: Tumor predisposition; Hereditary Cancer Syndrome; Neoplastic Syndromes, Hereditary; Hereditary neoplastic syndrome. Identifiers: Orphanet 140162, MedGen C0027672, MeSH D009386, MONDO:0015356.
Familial adenomatous polyposis 3. Also called: NTHL1-Related Adenomatous Polyposis and Colorectal Cancer; NTHL1-related attenuated familial adenomatous polyposis; NTHL1-associated polyposis; NTHL1 Tumor Syndrome. Identifiers: Orphanet 220460, Orphanet 454840, MedGen C4225157, MONDO:0014630, OMIM 616415.

Allele frequency attached by ClinVar (database versions not stated): gnomAD exomes below 0.00001; ExAC 0.00001; gnomAD 0.00001; TOPMed 0.00001; ESP Exome Variant Server 0.00008.
gnomAD v4.1: 8 of 1,606,396 alleles (0.0005%); highest among the groups gnomAD compares: Non-Finnish European, 0.00068%; no homozygotes.

Submissions (6):

Labcorp Genetics (formerly Invitae), Labcorp
Classification: Pathogenic. Last evaluated: 2025-11-30. Review status: criteria provided, single submitter. Criteria: Invitae Variant Classification Sherloc (09022015). Collection method: clinical testing. Allele origin: germline.
Comment: This sequence change affects a donor splice site in intron 4 of the NTHL1 gene. RNA analysis indicates that disruption of this splice site induces altered splicing and may result in an absent or altered protein product. This variant is present in population databases (rs372946560, gnomAD 0.0009%). Disruption of this splice site has been observed in individual(s) with clinical features of NTHL1-related conditions (PMID: 26559593). In at least one individual the data is consistent with being in trans (on the opposite chromosome) from a pathogenic variant. ClinVar contains an entry for this variant (Variation ID: 218092). Studies have shown that disruption of this splice site results in multiple aberrant splice products, and produces a non-functional protein and/or introduces a premature termination codon (PMID: 26559593). For these reasons, this variant has been classified as Pathogenic.

Myriad Genetics, Inc.
Classification: Likely pathogenic for Familial adenomatous polyposis 3. Last evaluated: 2023-09-05. Review status: criteria provided, single submitter. Criteria: Myriad Autosomal Dominant, Autosomal Recessive and X-Linked Classification Criteria (2023). Collection method: clinical testing. Allele origin: unknown.
Comment: This variant is considered likely pathogenic. This variant occurs within a consensus splice junction and is predicted to result in abnormal mRNA splicing of either an out-of-frame exon or an in-frame exon necessary for protein stability and/or normal function.

Ambry Genetics
Classification: Pathogenic for Hereditary cancer-predisposing syndrome. Last evaluated: 2023-08-23. Review status: criteria provided, single submitter. Criteria: Ambry Variant Classification Scheme 2023. Collection method: clinical testing. Allele origin: germline.
Comment: The c.709+1G>A intronic pathogenic mutation results from a G to A substitution one nucleotide after coding exon 4 of the NTHL1 gene. This mutation was confirmed in trans with another NTHL1 pathogenic variant (p.Q90*) in a patient affected with >30 colon polyps and multiple cancer diagnoses, including colon adenocarcinoma. This variant is considered to be rare based on population cohorts in the Genome Aggregation Database (gnomAD). This nucleotide position is highly conserved in available vertebrate species. In silico splice site analysis predicts that this alteration will weaken the native splice donor site. In addition to the clinical data presented in the literature, alterations that disrupt the canonical splice site are expected to cause aberrant splicing, resulting in an abnormal protein or a transcript that is subject to nonsense-mediated mRNA decay. As such, this alteration is classified as a disease-causing mutation.

Institute for Clinical Genetics, University Hospital TU Dresden, University Hospital TU Dresden
Classification: Pathogenic. Last evaluated: 2022-02-11. Review status: criteria provided, single submitter. Criteria: ACMG Guidelines, 2015. Collection method: clinical testing. Allele origin: germline.
Comment: PVS1, PM2_SUP, PM3

Fulgent Genetics
Classification: Likely pathogenic for Familial adenomatous polyposis 3. Last evaluated: 2022-01-24. Review status: criteria provided, single submitter. Criteria: ACMG Guidelines, 2015. Collection method: clinical testing. Allele origin: unknown.

OMIM
Classification: Pathogenic for FAMILIAL ADENOMATOUS POLYPOSIS 3. Last evaluated: 2015-11-12. Review status: no assertion criteria provided. Collection method: literature only. Allele origin: unknown. Not counted in ClinVar's aggregate classification.

Literature cited by the submitters: PubMed 26559593 (cited by Labcorp Genetics (formerly Invitae), Labcorp and Ambry Genetics); Rivera, B., Castellsague, E., Bah, I., and others Biallelic NTHL1 mutations in a woman with multiple primary tumors. (Letter) New Eng. J. Med. 373: 1985-1986, 2015. Note: Full author list online. Erratum: New Eng. J. Med. 373: e33, 2015. (cited by OMIM).